The following is an entry in ClinVar:

ClinVar aggregate classification (germline): Uncertain significance (1 of 4 stars; one submission).

Conditions:
RASopathy. Also called: rasopathies; Noonan spectrum disorder. Identifiers: Orphanet 536391, MedGen C5555857, MONDO:0021060.

Submission:

Labcorp Genetics (formerly Invitae), Labcorp
Classification: Uncertain significance for RASopathy. Last evaluated: 2022-08-18. Review status: criteria provided, single submitter. Criteria: Invitae Variant Classification Sherloc (09022015). Collection method: clinical testing. Allele origin: germline.
Comment: This variant has not been reported in the literature in individuals affected with BRAF-related conditions. Algorithms developed to predict the effect of sequence changes on RNA splicing suggest that this variant may disrupt the consensus splice site. In summary, the available evidence is currently insufficient to determine the role of this variant in disease. Therefore, it has been classified as a Variant of Uncertain Significance. This variant is not present in population databases (gnomAD no frequency). This sequence change affects a donor splice site in intron 10 of the BRAF gene. It is expected to disrupt RNA splicing. Variants that disrupt the donor or acceptor splice site typically lead to a loss of protein function (PMID: 16199547), however the current clinical and genetic evidence is not sufficient to establish whether loss-of-function variants in BRAF cause disease.

Literature cited by the submitters: PubMed 16199547.

NM_004333.6(BRAF):c.1314+1G>T

Gene: BRAF (B-Raf proto-oncogene, serine/threonine kinase; minus strand). Cytogenetic location: 7q34.
Variant type: single nucleotide variant.
Coding change: c.1314+1G>T on transcript NM_004333.6 (MANE Select); the canonical splice donor site of the intron after coding-DNA position 1314, G replaced by T.
Molecular consequence: splice donor variant.
Genome position (GRCh38, 1-based): chr7:140,783,020, C>A on the plus strand (G>T on the coding strand, the complement: BRAF is on the minus strand). VCF-style: chr7-140783020-C-A. GRCh37 (hg19) VCF-style: chr7-140482820-C-A.
Other names: c.1158+1G>T (NM_001378472.1, NM_001378473.1); c.1248+1G>T (NM_001378469.1); c.1434+1G>T (NM_001374244.1, NM_001374258.1); c.1314+1G>T (NM_001378474.1, NM_001378468.1, NM_001354609.2); c.1212+1G>T (NM_001378470.1); c.1050+1G>T (NM_001378475.1); c.1203+1G>T (NM_001378471.1); c.1323+1G>T (NM_001378467.1).
Identifiers: ClinVar variation 2024540 (VCV002024540.4), dbSNP rs2129026232, ClinGen allele CA369589278.